The following is an entry in ClinVar:

ClinVar aggregate classification (germline): Uncertain significance (1 of 4 stars; one submission).

Conditions:
Cardiovascular phenotype. Identifiers: MedGen CN230736.

Allele frequency attached by ClinVar (database versions not stated): ExAC 0.00002; TOPMed 0.00002; gnomAD 0.00003; ESP Exome Variant Server 0.00023.
gnomAD v4.1: 5 of 1,595,618 alleles (0.00031%); highest among the groups gnomAD compares: African/African-American, 0.0054%; no homozygotes.

Submission:

Ambry Genetics
Classification: Uncertain significance for Cardiovascular phenotype. Last evaluated: 2022-07-17. Review status: criteria provided, single submitter. Criteria: Ambry Variant Classification Scheme 2023. Collection method: clinical testing. Allele origin: germline.
Comment: The p.M35I variant (also known as c.105G>A), located in coding exon 1 of the LIPA gene, results from a G to A substitution at nucleotide position 105. The methionine at codon 35 is replaced by isoleucine, an amino acid with highly similar properties. This amino acid position is conserved. In addition, the in silico prediction for this alteration is inconclusive. Since supporting evidence is limited at this time, the clinical significance of this alteration remains unclear.

NM_000235.4(LIPA):c.105G>A (p.Met35Ile)

Gene: LIPA (lipase A, lysosomal acid type; minus strand). Cytogenetic location: 10q23.31.
Variant type: single nucleotide variant.
Coding change: c.105G>A on transcript NM_000235.4 (MANE Select); coding-DNA position 105, G replaced by A.
Protein change: p.Met35Ile; replaces methionine 35 with isoleucine.
Molecular consequence: missense variant. On other transcripts: intron variant (1).
Genome position (GRCh38, 1-based): chr10:89,247,544, C>T on the plus strand (G>A on the coding strand, the complement: LIPA is on the minus strand). VCF-style: chr10-89247544-C-T. GRCh37 (hg19) VCF-style: chr10-91007301-C-T.
Other names: c.105G>A, p.Met35Ile (NM_001127605.3); c.-120+4193G>A (NM_001288979.2); short protein forms M35I.
Identifiers: ClinVar variation 1779893 (VCV001779893.2), dbSNP rs145756015, ClinGen allele CA5593826.
Genomic context (GRCh38, chr10:89,247,544, plus strand): 5'-ACTGGATCGGGGAAATAGATGCATTTTAAAAGTACATAACTTTGAGAAACTTACCACATT[C>T]ATGTTTGTTTCAGGATCCACAGCTGTCAGTTTCCCTCCAGACCCCTCAGAATGCAGGGTC-3'
Protein context (NP_000226.2, residues 25-45): KLTAVDPETN[Met35Ile]NVSEIISYWG